The following is an entry in ClinVar:

NM_000548.5(TSC2):c.4631A>G (p.Lys1544Arg)

Gene: TSC2 (TSC complex subunit 2; plus strand). Cytogenetic location: 16p13.3.
Variant type: single nucleotide variant.
Coding change: c.4631A>G on transcript NM_000548.5 (MANE Select); coding-DNA position 4631, A replaced by G.
Protein change: p.Lys1544Arg; replaces lysine 1544 with arginine.
Molecular consequence: missense variant.
Genome position (GRCh38, 1-based): chr16:2,085,291, A>G. VCF-style: chr16-2085291-A-G. GRCh37 (hg19) VCF-style: chr16-2135292-A-G.
Other names: c.4430A>G, p.Lys1477Arg (NM_001077183.3); c.4562A>G, p.Lys1521Arg (NM_001114382.3); c.4322A>G, p.Lys1441Arg (NM_001318827.2); c.4286A>G, p.Lys1429Arg (NM_001318829.2); c.3899A>G, p.Lys1300Arg (NM_001318831.2); c.4463A>G, p.Lys1488Arg (NM_001318832.2); c.4433A>G, p.Lys1478Arg (NM_001363528.2); c.4499A>G, p.Lys1500Arg (NM_001370404.1); and 1 more; short protein forms K1429R, K1477R, K1500R, K1478R, K1501R, K1441R, K1521R, K1300R.
Identifiers: ClinVar variation 847208 (VCV000847208.10), dbSNP rs2090629229, ClinGen allele CA394304865.

ClinVar aggregate classification (germline): Uncertain significance. Review status: criteria provided, multiple submitters, no conflicts (2 of 4 stars). 2 submissions from 2 submitters: Uncertain significance (2). Last evaluated 2025-06-03.

Conditions:
Tuberous sclerosis 2 (TSC2). Identifiers: Orphanet 805, MedGen C1860707, MONDO:0013199, OMIM 613254.

Submissions (2):

GeneDx
Classification: Uncertain significance. Last evaluated: 2025-06-03. Review status: criteria provided, single submitter. Criteria: GeneDx Variant Classification Process June 2021. Collection method: clinical testing. Allele origin: germline. Affected: yes.
Comment: Not observed at significant frequency in large population cohorts (gnomAD); In silico analysis supports that this missense variant has a deleterious effect on protein structure/function; Has not been previously published as pathogenic or benign to our knowledge; In silico analysis suggests this variant may impact gene splicing. In the absence of RNA/functional studies, the actual effect of this sequence change is unknown.; This variant is associated with the following publications: (PMID: 18466115)

Labcorp Genetics (formerly Invitae), Labcorp
Classification: Uncertain significance for Tuberous sclerosis 2. Last evaluated: 2019-01-22. Review status: criteria provided, single submitter. Criteria: Invitae Variant Classification Sherloc (09022015). Collection method: clinical testing. Allele origin: germline.
Comment: In summary, the available evidence is currently insufficient to determine the role of this variant in disease. Therefore, it has been classified as a Variant of Uncertain Significance. Algorithms developed to predict the effect of sequence changes on RNA splicing suggest that this variant may create or strengthen a splice site, but this prediction has not been confirmed by published transcriptional studies. Algorithms developed to predict the effect of missense changes on protein structure and function are either unavailable or do not agree on the potential impact of this missense change (SIFT: "Deleterious"; PolyPhen-2: "Probably Damaging"; Align-GVGD: "Class C0"). This variant has not been reported in the literature in individuals with TSC2-related conditions. This variant is not present in population databases (ExAC no frequency). This sequence change replaces lysine with arginine at codon 1544 of the TSC2 protein (p.Lys1544Arg). The lysine residue is highly conserved and there is a small physicochemical difference between lysine and arginine.